The following is an entry in ClinVar:

NM_000191.3(HMGCL):c.20C>G (p.Ala7Gly)

Gene: HMGCL (3-hydroxy-3-methylglutaryl-CoA lyase; minus strand). Cytogenetic location: 1p36.11.
Variant type: single nucleotide variant.
Coding change: c.20C>G on transcript NM_000191.3 (MANE Select); coding-DNA position 20, C replaced by G.
Protein change: p.Ala7Gly; replaces alanine 7 with glycine.
Molecular consequence: missense variant.
Genome position (GRCh38, 1-based): chr1:23,825,396, G>C on the plus strand (C>G on the coding strand, the complement: HMGCL is on the minus strand). VCF-style: chr1-23825396-G-C. GRCh37 (hg19) VCF-style: chr1-24151886-G-C.
Other names: c.20C>G, p.Ala7Gly (NM_001166059.2); short protein forms A7G.
Identifiers: ClinVar variation 806088 (VCV000806088.47), dbSNP rs754437215, ClinGen allele CA686229.
Genomic context (GRCh38, chr1:23,825,396, plus strand): 5'-CGGCGGCTCGGGGCACTTACAGCCCGGAGGGACGCCAAGCCCACCAGTCGCCGCGGAAGC[G>C]CCTTCCTCATTGCTGCCATCTTGGCCCAGAATCCCCCGCGGCAGTCCAGCTGGGCCCCGC-3'
Protein context (NP_000182.2, residues 1-17): MAAMRK[Ala7Gly]LPRRLVGLAS

ClinVar aggregate classification (germline): Uncertain significance. Review status: criteria provided, multiple submitters, no conflicts (2 of 4 stars). 5 submissions from 5 submitters: Uncertain significance (5). Last evaluated 2023-04-11.

Conditions:
Deficiency of hydroxymethylglutaryl-CoA lyase (HMGCLD). Also called: HMGCL DEFICIENCY; HYDROXYMETHYLGLUTARIC ACIDURIA; Defect in leucine metabolism; 3-hydroxy-3-methylglutaric aciduria; HMG-CoA LYASE DEFICIENCY. Identifiers: Orphanet 20, MedGen C1533587, MONDO:0009520, OMIM 246450.

Allele frequency attached by ClinVar (database versions not stated): gnomAD below 0.00001 and 0.00001; TOPMed 0.00001; ExAC 0.00006.
gnomAD v4.1: 26 of 1,560,600 alleles (0.0017%); highest among the groups gnomAD compares: South Asian, 0.013%; no homozygotes.

Submissions (5):

Genome-Nilou Lab
Classification: Uncertain significance for Deficiency of hydroxymethylglutaryl-CoA lyase. Last evaluated: 2023-04-11. Review status: criteria provided, single submitter. Criteria: ACMG Guidelines, 2015. Collection method: clinical testing. Allele origin: germline. Affected: no.

Labcorp Genetics (formerly Invitae), Labcorp
Classification: Uncertain significance for Deficiency of hydroxymethylglutaryl-CoA lyase. Last evaluated: 2021-11-22. Review status: criteria provided, single submitter. Criteria: Invitae Variant Classification Sherloc (09022015). Collection method: clinical testing. Allele origin: germline.
Comment: This sequence change replaces alanine, which is neutral and non-polar, with glycine, which is neutral and non-polar, at codon 7 of the HMGCL protein (p.Ala7Gly). This variant is present in population databases (rs754437215, gnomAD 0.02%). This variant has not been reported in the literature in individuals affected with HMGCL-related conditions. ClinVar contains an entry for this variant (Variation ID: 806088). Algorithms developed to predict the effect of missense changes on protein structure and function (SIFT, PolyPhen-2, Align-GVGD) all suggest that this variant is likely to be tolerated. In summary, the available evidence is currently insufficient to determine the role of this variant in disease. Therefore, it has been classified as a Variant of Uncertain Significance.

Fulgent Genetics
Classification: Uncertain significance for Deficiency of hydroxymethylglutaryl-CoA lyase. Last evaluated: 2021-07-23. Review status: criteria provided, single submitter. Criteria: ACMG Guidelines, 2015. Collection method: clinical testing. Allele origin: unknown.

CeGaT Center for Human Genetics Tuebingen
Classification: Uncertain significance. Last evaluated: 2019-06-01. Review status: criteria provided, single submitter. Criteria: CeGaT Center For Human Genetics Tuebingen Variant Classification Criteria Version 2. Collection method: clinical testing. Allele origin: germline. Affected: yes. Observed: 1 variant allele.

Breakthrough Genomics
Classification: Uncertain significance. Review status: criteria provided, single submitter. Criteria: ACMG Guidelines, 2015. Collection method: not provided. Allele origin: germline. Inheritance: Autosomal recessive inheritance. Affected: yes.